The following is an entry in ClinVar:

NM_001040108.2(MLH3):c.980T>C (p.Leu327Pro)

Gene: MLH3 (mutL homolog 3; minus strand). Cytogenetic location: 14q24.3.
Variant type: single nucleotide variant.
Coding change: c.980T>C on transcript NM_001040108.2 (MANE Select); coding-DNA position 980, T replaced by C.
Protein change: p.Leu327Pro; replaces leucine 327 with proline.
Molecular consequence: missense variant.
Genome position (GRCh38, 1-based): chr14:75,048,676, A>G on the plus strand (T>C on the coding strand, the complement: MLH3 is on the minus strand). VCF-style: chr14-75048676-A-G. GRCh37 (hg19) VCF-style: chr14-75515379-A-G.
Other names: c.980T>C, p.Leu327Pro (NM_014381.3); short protein forms L327P.
Identifiers: ClinVar variation 5024607 (VCV005024607.1).

ClinVar aggregate classification (germline): Uncertain significance (1 of 4 stars; one submission).

Submission:

Ambry Genetics
Classification: Uncertain significance. Last evaluated: 2026-07-28. Review status: criteria provided, single submitter. Criteria: Ambry Variant Classification Scheme 2023. Collection method: clinical testing. Allele origin: germline.
Comment: The p.L327P variant (also known as c.980T>C), located in coding exon 1 of the MLH3 gene, results from a T to C substitution at nucleotide position 980. The leucine at codon 327 is replaced by proline, an amino acid with similar properties. This amino acid position is conserved. In addition, this alteration is predicted to be deleterious by in silico analysis. Based on the available evidence, the clinical significance of this variant remains unclear.